The following is an entry in ClinVar:

ClinVar aggregate classification (germline): Benign/Likely benign. Review status: criteria provided, multiple submitters, no conflicts (2 of 4 stars). 4 submissions from 4 submitters: Benign (2); Likely benign (2). Last evaluated 2026-01-26.

Conditions:
Inborn genetic diseases. Identifiers: MedGen C0950123, MeSH D030342.

Allele frequency attached by ClinVar (database versions not stated): gnomAD exomes 0.00021 and 0.00054; ExAC 0.00068; gnomAD 0.00217 and 0.00231; 1000 Genomes Project 30x 0.00219; 1000 Genomes Project 0.00220; ESP Exome Variant Server 0.00300.
gnomAD v4.1: 649 of 1,614,044 alleles (0.04%); highest among the groups gnomAD compares: African/African-American, 0.79%; 4 homozygotes.

Submissions (4):

Labcorp Genetics (formerly Invitae), Labcorp
Classification: Benign. Last evaluated: 2026-01-26. Review status: criteria provided, single submitter. Criteria: Invitae Variant Classification Sherloc (09022015). Collection method: clinical testing. Allele origin: germline.

CeGaT Center for Human Genetics Tuebingen
Classification: Likely benign. Last evaluated: 2025-02-01. Review status: criteria provided, single submitter. Criteria: CeGaT Center For Human Genetics Tuebingen Variant Classification Criteria Version 2. Collection method: clinical testing. Allele origin: germline. Affected: yes. Observed: 1 variant allele.
Comment: DENND5A: BP4, BS2

Ambry Genetics
Classification: Likely benign for Inborn genetic diseases. Last evaluated: 2021-12-07. Review status: criteria provided, single submitter. Criteria: Ambry Variant Classification Scheme 2023. Collection method: clinical testing. Allele origin: germline.

Breakthrough Genomics
Classification: Benign. Review status: criteria provided, single submitter. Criteria: ACMG Guidelines, 2015. Collection method: not provided. Allele origin: germline. Inheritance: Autosomal recessive inheritance. Affected: yes.

NM_015213.4(DENND5A):c.739G>A (p.Val247Ile)

Gene: DENND5A (DENN domain containing 5A; minus strand). Cytogenetic location: 11p15.4.
Variant type: single nucleotide variant.
Coding change: c.739G>A on transcript NM_015213.4 (MANE Select); coding-DNA position 739, G replaced by A.
Protein change: p.Val247Ile; replaces valine 247 with isoleucine.
Molecular consequence: missense variant. On other transcripts: non-coding transcript variant (1).
Genome position (GRCh38, 1-based): chr11:9,203,870, C>T on the plus strand (G>A on the coding strand, the complement: DENND5A is on the minus strand). VCF-style: chr11-9203870-C-T. GRCh37 (hg19) VCF-style: chr11-9225417-C-T.
Other names: c.739G>A (NM_015213.3); c.739G>A, p.Val247Ile (NM_001243254.2); c.667G>A, p.Val223Ile (NM_001348749.2); c.451G>A, p.Val151Ile (NM_001348750.2); short protein forms V151I, V223I, V247I.
Identifiers: ClinVar variation 1662520 (VCV001662520.23), dbSNP rs149929115, ClinGen allele CA5877764.